The following is an entry in ClinVar:

ClinVar aggregate classification (germline): Likely pathogenic (1 of 4 stars; one submission).

Conditions:
Pleuropulmonary blastoma (PPB). Identifiers: Orphanet 64742, MedGen C1266144, MONDO:0011014, OMIM 601200, HP:0100528.

Allele frequency attached by ClinVar (database versions not stated): gnomAD exomes below 0.00001.

Submission:

MGZ Medical Genetics Center
Classification: Likely pathogenic for Pleuropulmonary blastoma. Last evaluated: 2022-07-28. Review status: criteria provided, single submitter. Criteria: ACMG Guidelines, 2015. Collection method: clinical testing. Allele origin: germline. Affected: yes. Observed: 1 variant allele.
Comment: ACMG criteria applied: PVS1, PM2_SUP

NM_177438.3(DICER1):c.906dup (p.Leu303fs)

Gene: DICER1 (dicer 1, ribonuclease III; minus strand). Cytogenetic location: 14q32.13.
Variant type: Duplication.
Coding change: c.906dup on transcript NM_177438.3 (MANE Select); coding-DNA position 906, one base duplicated (A; older notation c.906dupA).
Protein change: p.Leu303fs; shifts the reading frame from leucine 303.
Molecular consequence: frameshift variant. On other transcripts: 5 prime UTR variant (1), non-coding transcript variant (6).
Genome position (GRCh38, 1-based): chr14:95,124,666, T duplicated on the plus strand (A on the coding strand, the reverse complement: DICER1 is on the minus strand). VCF-style (leftmost placement, unchanged base first): chr14-95124665-G-GT. GRCh37 (hg19) VCF-style: chr14-95591002-G-GT.
Other names: c.906dup, p.Leu303fs (NM_001395684.1, NM_001395692.1, NM_001395693.1 and 14 more transcripts); c.624dup, p.Leu209fs (NM_001395686.1); c.501dup, p.Leu168fs (NM_001395687.1, NM_001395688.1, NM_001395689.1 and 3 more transcripts); c.339dup, p.Leu114fs (NM_001395691.1); c.-663dup (NM_001395697.1); c.906dup, p.Leu303Thrfs (NM_001395681.1); short protein forms L114fs, L168fs, L209fs, L303fs.
Identifiers: ClinVar variation 1709651 (VCV001709651.2), dbSNP rs2543188305, ClinGen allele CA2580089167.
Genomic context (GRCh38, chr14:95,124,665, plus strand): 5'-CAGCTACTTTATCTGCACACCAGGGTCCCAGAACTACCAATACGGCACGACAGTCTGATA[G>GT]TATCTACAAAAAAAAGAAAAGAAAAAACCTAATGCCAAATAATAATAATGTAGCATTTTC-3'